The following is an entry in ClinVar:

NM_015896.4(ZMYND10):c.701-33G>A

Gene: ZMYND10 (zinc finger MYND-type containing 10; minus strand). Cytogenetic location: 3p21.31.
Variant type: single nucleotide variant.
Coding change: c.701-33G>A on transcript NM_015896.4 (MANE Select); 33 bases into the intron before coding-DNA position 701, G replaced by A.
Molecular consequence: intron variant. On other transcripts: missense variant (1).
Genome position (GRCh38, 1-based): chr3:50,342,602, C>T on the plus strand (G>A on the coding strand, the complement: ZMYND10 is on the minus strand). VCF-style: chr3-50342602-C-T. GRCh37 (hg19) VCF-style: chr3-50380033-C-T.
Other names: c.653G>A, p.Arg218His (NM_001308379.2); short protein forms R218H.
Identifiers: ClinVar variation 3043014 (VCV003043014.3), dbSNP rs587749007, ClinGen allele CA2417106.

ClinVar aggregate classification (germline): Likely benign. Review status: criteria provided, single submitter (1 of 4 stars). 2 submissions from 2 submitters: Likely benign (1). 1 of the submissions does not count toward it. Last evaluated 2024-04-08.

Conditions:
ZMYND10-related disorder. Also called: ZMYND10-related condition.
Primary ciliary dyskinesia 22. Also called: CILIARY DYSKINESIA, PRIMARY, 22, WITH OR WITHOUT SITUS INVERSUS. Identifiers: Orphanet 244, MedGen C3809543, MONDO:0014192, OMIM 615444.

Allele frequency attached by ClinVar (database versions not stated): TOPMed 0.00009; gnomAD 0.00011; gnomAD exomes 0.00027; 1000 Genomes Project 30x 0.00047; 1000 Genomes Project 0.00060; ExAC 0.00060.

Submissions (2):

ARUP Laboratories, Molecular Genetics and Genomics, ARUP Laboratories
Classification: Likely benign for Primary ciliary dyskinesia 22. Last evaluated: 2024-04-08. Review status: criteria provided, single submitter. Criteria: ARUP Molecular Germline Variant Investigation Process 2024. Collection method: clinical testing. Allele origin: germline.

PreventionGenetics, part of Exact Sciences
Classification: Likely benign for ZMYND10-related condition. Last evaluated: 2022-05-25. Review status: no assertion criteria provided. Collection method: clinical testing. Allele origin: germline. Not counted in ClinVar's aggregate classification.
Comment: This variant is classified as likely benign based on ACMG/AMP sequence variant interpretation guidelines (Richards et al. 2015 PMID: 25741868, with internal and published modifications).